The following is an entry in ClinVar:

NM_003072.5(SMARCA4):c.1748A>C (p.Lys583Thr)

Gene: SMARCA4 (SWI/SNF related BAF chromatin remodeling complex subunit ATPase 4; plus strand). Cytogenetic location: 19p13.2.
Variant type: single nucleotide variant.
Coding change: c.1748A>C on transcript NM_003072.5 (MANE Select); coding-DNA position 1748, A replaced by C.
Protein change: p.Lys583Thr; replaces lysine 583 with threonine.
Molecular consequence: missense variant. On other transcripts: non-coding transcript variant (1).
Genome position (GRCh38, 1-based): chr19:10,996,367, A>C. VCF-style: chr19-10996367-A-C. GRCh37 (hg19) VCF-style: chr19-11107043-A-C.
Other names: c.1748A>C, p.Lys583Thr (NM_001128844.3, NM_001128845.2, NM_001128846.2 and 5 more transcripts); short protein forms K583T.
Identifiers: ClinVar variation 578082 (VCV000578082.8), dbSNP rs1043517699, ClinGen allele CA404064602.

ClinVar aggregate classification (germline): Uncertain significance (1 of 4 stars; one submission).

Conditions:
Rhabdoid tumor predisposition syndrome 2 (RTPS2). Identifiers: Orphanet 231108, Orphanet 69077, MedGen C2750074, MONDO:0013224, OMIM 613325.

Submission:

Labcorp Genetics (formerly Invitae), Labcorp
Classification: Uncertain significance for Rhabdoid tumor predisposition syndrome 2. Last evaluated: 2018-01-31. Review status: criteria provided, single submitter. Criteria: Invitae Variant Classification Sherloc (09022015). Collection method: clinical testing. Allele origin: germline.
Comment: This sequence change replaces lysine with threonine at codon 583 of the SMARCA4 protein (p.Lys583Thr). The lysine residue is moderately conserved and there is a moderate physicochemical difference between lysine and threonine. In summary, the available evidence is currently insufficient to determine the role of this variant in disease. Therefore, it has been classified as a Variant of Uncertain Significance. Algorithms developed to predict the effect of missense changes on protein structure and function (SIFT, PolyPhen-2, Align-GVGD) all suggest that this variant is likely to be tolerated, but these predictions have not been confirmed by published functional studies and their clinical significance is uncertain. This variant has not been reported in the literature in individuals with SMARCA4-related disease. This variant is not present in population databases (ExAC no frequency).